The following is an entry in ClinVar:

ClinVar aggregate classification (germline): Likely pathogenic (1 of 4 stars; one submission).

Conditions:
Developmental delay with or without intellectual impairment or behavioral abnormalities. Identifiers: MedGen C5562004, MONDO:0859199, OMIM 619575.

Submission:

Institute for Genomic Medicine (IGM) Clinical Laboratory, Nationwide Children's Hospital
Classification: Likely pathogenic for Developmental delay with or without intellectual impairment or behavioral abnormalities. Last evaluated: 2021-03-03. Review status: criteria provided, single submitter. Criteria: ACMG Guidelines, 2015. Collection method: clinical testing. Allele origin: germline. Affected: yes.
Comment: [ACMG/AMP: PS2, PM2, PP3] This alteration is de novo in origin as it was not detected in the submitted parental specimens (identity confirmed) [PS2], is absent from or rarely observed in large-scale population databases [PM2], is predicted to be damaging by multiple functional prediction tools [PP3].

NM_020791.4(TAOK1):c.132+3_132+6del

Gene: TAOK1 (TAO kinase 1; plus strand). Cytogenetic location: 17q11.2.
Variant type: Deletion.
Coding change: c.132+3_132+6del on transcript NM_020791.4 (MANE Select); bases 3 to 6 of the intron after coding-DNA position 132, 4 bases deleted (AAGT; older notation c.132+3_132+6delAAGT).
Molecular consequence: splice donor variant.
Genome position (GRCh38, 1-based): chr17:29,451,683-29,451,686, AAGT deleted; deleting any 4 consecutive bases within chr17:29,451,681-29,451,686 gives the same sequence; the c. name uses the placement nearest the transcript's 3' end. VCF-style (leftmost placement, unchanged base first): chr17-29451680-TGTAA-T. GRCh37 (hg19) VCF-style: chr17-27778698-TGTAA-T.
Other names: c.132+3_132+6del (NM_025142.1).
Identifiers: ClinVar variation 1328968 (VCV001328968.5), dbSNP rs2153024257, ClinGen allele CA2573054362.